The following is an entry in ClinVar:

ClinVar aggregate classification (germline): Likely pathogenic (1 of 4 stars; one submission).

Conditions:
Mucopolysaccharidosis type 1. Also called: Mucopolysaccharidosis Type I; IDUA deficiency; MPS I. Identifiers: Orphanet 579, MedGen C0023786, MONDO:0001586.

gnomAD v4.1: 2 of 1,600,592 alleles (0.00012%); highest among the groups gnomAD compares: Non-Finnish European, 0.00017%; no homozygotes.

Submission:

Labcorp Genetics (formerly Invitae), Labcorp
Classification: Likely pathogenic for Mucopolysaccharidosis type 1. Last evaluated: 2021-08-29. Review status: criteria provided, single submitter. Criteria: Invitae Variant Classification Sherloc (09022015). Collection method: clinical testing. Allele origin: germline.
Comment: Algorithms developed to predict the effect of sequence changes on RNA splicing suggest that this variant may create or strengthen a splice site. This variant disrupts the p.Asp203 amino acid residue in IDUA. Other variant(s) that disrupt this residue have been determined to be pathogenic (PMID: 17407067). This suggests that this residue is clinically significant, and that variants that disrupt this residue are likely to be disease-causing. In summary, the currently available evidence indicates that the variant is pathogenic, but additional data are needed to prove that conclusively. Therefore, this variant has been classified as Likely Pathogenic. This sequence change replaces aspartic acid with glycine at codon 203 of the IDUA protein (p.Asp203Gly). The aspartic acid residue is highly conserved and there is a moderate physicochemical difference between aspartic acid and glycine. This variant is not present in population databases (ExAC no frequency). This variant has not been reported in the literature in individuals affected with IDUA-related conditions. Advanced modeling of protein sequence and biophysical properties (such as structural, functional, and spatial information, amino acid conservation, physicochemical variation, residue mobility, and thermodynamic stability) performed at Invitae indicates that this missense variant is expected to disrupt IDUA protein function.

Literature cited by the submitters: PubMed 17407067.

NM_000203.5(IDUA):c.608A>G (p.Asp203Gly)

Gene: IDUA (alpha-L-iduronidase; plus strand). Cytogenetic location: 4p16.3.
Variant type: single nucleotide variant.
Coding change: c.608A>G on transcript NM_000203.5 (MANE Select); coding-DNA position 608, A replaced by G.
Protein change: p.Asp203Gly; replaces aspartic acid 203 with glycine.
Molecular consequence: missense variant. On other transcripts: non-coding transcript variant (1).
Genome position (GRCh38, 1-based): chr4:1,001,697, A>G. VCF-style: chr4-1001697-A-G. GRCh37 (hg19) VCF-style: chr4-995485-A-G.
Other names: c.212A>G, p.Asp71Gly (NM_001363576.1); short protein forms D203G, D71G.
Identifiers: ClinVar variation 1504249 (VCV001504249.6), dbSNP rs2153021978, ClinGen allele CA355961915.